The following is an entry in ClinVar:

ClinVar aggregate classification (germline): Uncertain significance (1 of 4 stars; one submission).

Conditions:
Dyskeratosis congenita. Identifiers: Orphanet 1775, MedGen C0265965, MONDO:0015780.

Submission:

Labcorp Genetics (formerly Invitae), Labcorp
Classification: Uncertain significance for Dyskeratosis congenita. Last evaluated: 2022-10-25. Review status: criteria provided, single submitter. Criteria: Invitae Variant Classification Sherloc (09022015). Collection method: clinical testing. Allele origin: germline.
Comment: A copy number gain of the genomic region encompassing the full coding sequence of the DKC1 gene has been identified. The boundaries of this event are unknown as they extend beyond the assayed region for this gene and therefore may encompass additional genes. As the precise location of this event is unknown, it may be in tandem or it may be located elsewhere in the genome. This variant has not been reported in the literature in individuals affected with DKC1-related conditions. In summary, the available evidence is currently insufficient to determine the role of this variant in disease. Therefore, it has been classified as a Variant of Uncertain Significance.

NC_000023.10:g.(?_153991100)_(154005142_?)dup

Gene: DKC1 (dyskerin pseudouridine synthase 1; plus strand). Cytogenetic location: Xq28.
Variant type: Duplication.
Identifiers: ClinVar variation 1373876 (VCV001373876.2).